The following is an entry in ClinVar:

ClinVar aggregate classification (germline): Pathogenic (1 of 4 stars; one submission).

Conditions:
Hereditary cancer-predisposing syndrome. Also called: Neoplastic Syndromes, Hereditary; Tumor predisposition; Hereditary Cancer Syndrome; Hereditary neoplastic syndrome. Identifiers: Orphanet 140162, MedGen C0027672, MeSH D009386, MONDO:0015356.

Submission:

Ambry Genetics
Classification: Pathogenic for Hereditary cancer-predisposing syndrome. Last evaluated: 2015-03-09. Review status: criteria provided, single submitter. Criteria: Ambry Variant Classification Scheme 2023. Collection method: clinical testing. Allele origin: germline.
Comment: The c.564delT pathogenic mutation, located in coding exon 5 of the ATM gene, results from a deletion of one nucleotide at nucleotide position 564, causing a translational frameshift with a predicted alternate stop codon. Since frameshifts are typically deleterious in nature, this alteration is interpreted as a disease-causing mutation (ACMG Recommendations for Standards for Interpretation and Reporting of Sequence Variations. Revision 2007. Genet Med. 2008;10:294).

NM_000051.4(ATM):c.564del (p.Arg189fs)

Gene: ATM (ATM serine/threonine kinase; plus strand). Cytogenetic location: 11q22.3.
Variant type: Deletion.
Coding change: c.564del on transcript NM_000051.4 (MANE Select); coding-DNA position 564, one base deleted (T; older notation c.564delT).
Protein change: p.Arg189fs; shifts the reading frame from arginine 189.
Molecular consequence: frameshift variant.
Genome position (GRCh38, 1-based): chr11:108,244,020, T deleted. VCF-style (leftmost placement, unchanged base first): chr11-108244019-CT-C. GRCh37 (hg19) VCF-style: chr11-108114746-CT-C.
Other names: c.564del, p.Arg189fs (NM_001351834.2); c.564delT (NM_000051.3); short protein forms R189fs.
Identifiers: ClinVar variation 230761 (VCV000230761.5), dbSNP rs876658754, ClinGen allele CA10578964.